The following is an entry in ClinVar:

ClinVar aggregate classification (germline): Pathogenic/Likely pathogenic. Review status: criteria provided, multiple submitters, no conflicts (2 of 4 stars). 2 submissions from 2 submitters: Pathogenic (1); Likely pathogenic (1). Last evaluated 2025-12-08.

Allele frequency attached by ClinVar (database versions not stated): gnomAD 0.00001; TOPMed 0.00001.
gnomAD v4.1: 2 of 1,612,738 alleles (0.00012%); highest among the groups gnomAD compares: Non-Finnish European, 0.00017%; no homozygotes.

Submissions (2):

Labcorp Genetics (formerly Invitae), Labcorp
Classification: Pathogenic. Last evaluated: 2025-12-08. Review status: criteria provided, single submitter. Criteria: Invitae Variant Classification Sherloc (09022015). Collection method: clinical testing. Allele origin: germline.
Comment: This sequence change affects an acceptor splice site in intron 2 of the SLC24A5 gene. It is expected to disrupt RNA splicing. Variants that disrupt the donor or acceptor splice site typically lead to a loss of protein function (PMID: 16199547), and loss-of-function variants in SLC24A5 are known to be pathogenic (PMID: 23985994, 26686029). This variant is not present in population databases (gnomAD no frequency). Disruption of this splice site has been observed in individual(s) with oculocutaneous albinism (external communication). ClinVar contains an entry for this variant (Variation ID: 452947). Algorithms developed to predict the effect of sequence changes on RNA splicing suggest that this variant may disrupt the consensus splice site. For these reasons, this variant has been classified as Pathogenic.

GeneDx
Classification: Likely pathogenic. Last evaluated: 2017-10-30. Review status: criteria provided, single submitter. Criteria: GeneDx Variant Classification (06012015). Collection method: clinical testing. Allele origin: germline. Affected: yes.
Comment: The c.302-2A>G variant in the SLC24A5 gene has not been reported previously as a pathogenic variant nor as a benign variant, to our knowledge. This splice site variant destroys the canonical splice acceptor site in intron 2. It is predicted to cause abnormal gene splicing, either leading to an abnormal message that is subject to nonsense-mediated mRNA decay, or to an abnormal protein product if the message is used for protein translation. The c.302-2A>G variant is not observed in large population cohorts (Lek et al., 2016). We interpret c.302-2A>G as a likely pathogenic variant.

Literature cited by the submitters: PubMed 16199547 (cited by Labcorp Genetics (formerly Invitae), Labcorp); PubMed 23985994 (cited by Labcorp Genetics (formerly Invitae), Labcorp); PubMed 26686029 (cited by Labcorp Genetics (formerly Invitae), Labcorp).

NM_205850.3(SLC24A5):c.302-2A>G

Gene: SLC24A5 (solute carrier family 24 member 5; plus strand). Cytogenetic location: 15q21.1.
Variant type: single nucleotide variant.
Coding change: c.302-2A>G on transcript NM_205850.3 (MANE Select); the canonical splice acceptor site of the intron before coding-DNA position 302, A replaced by G.
Molecular consequence: splice acceptor variant.
Genome position (GRCh38, 1-based): chr15:48,134,256, A>G. VCF-style: chr15-48134256-A-G. GRCh37 (hg19) VCF-style: chr15-48426453-A-G.
Identifiers: ClinVar variation 452947 (VCV000452947.5), dbSNP rs1343931250, ClinGen allele CA392449601.
Genomic context (GRCh38, chr15:48,134,256, plus strand): 5'-TTAGTTGTAAAGACATACTCTTTCACTTTATTAGGCATAACAATCATTTCATTTATGTTC[A>G]GCCCTTGGATTGTCTCAGGATGTTGCAGGCACAACTTTCATGGCAGCGGGCAGTTCAGCT-3'